The following is an entry in ClinVar:

NM_000051.4(ATM):c.1595G>A (p.Cys532Tyr)

Gene: ATM (ATM serine/threonine kinase; plus strand). Cytogenetic location: 11q22.3.
Variant type: single nucleotide variant.
Coding change: c.1595G>A on transcript NM_000051.4 (MANE Select); coding-DNA position 1595, G replaced by A.
Protein change: p.Cys532Tyr; replaces cysteine 532 with tyrosine.
Molecular consequence: missense variant.
Genome position (GRCh38, 1-based): chr11:108,251,060, G>A. VCF-style: chr11-108251060-G-A. GRCh37 (hg19) VCF-style: chr11-108121787-G-A.
Other names: p.C532Y:TGC>TAC; p.Cys532Tyr; c.1595G>A, p.Cys532Tyr (NM_001351834.2); short protein forms C532Y.
Identifiers: ClinVar variation 133603 (VCV000133603.60), dbSNP rs35963548, ClinGen allele CA157062.
Genomic context (GRCh38, chr11:108,251,060, plus strand): 5'-TTCAGGGTAGTTTAGTTGAGGTTGACAGAGAATTCTGGAAGTTATTTACTGGGTCAGCCT[G>A]CAGACCTTCATGGTAAGTTCAGCATGCATTATGTCTGACTTACAGATAAACACACACAGA-3'
Protein context (NP_000042.3, residues 522-542): EFWKLFTGSA[Cys532Tyr]RPSCPAVCCL

ClinVar aggregate classification (germline): Conflicting classifications of pathogenicity. Review status: criteria provided, conflicting classifications (1 of 4 stars). 23 submissions from 23 submitters: Uncertain significance (7); Likely benign (13). 3 of the submissions do not count toward it. Last evaluated 2026-06-01.

Conditions:
ATM-related disorder. Also called: ATM-related disorders; ATM-related condition.
Breast and/or ovarian cancer. Identifiers: MedGen CN221562.
Hereditary cancer-predisposing syndrome. Also called: Tumor predisposition; Hereditary neoplastic syndrome; Neoplastic Syndromes, Hereditary; Hereditary Cancer Syndrome. Identifiers: Orphanet 140162, MedGen C0027672, MeSH D009386, MONDO:0015356.
Hereditary cancer. Identifiers: MedGen C1333600.
Familial cancer of breast. Also called: Hereditary breast cancer; hereditary breast carcinoma; BREAST CANCER, FAMILIAL. Identifiers: Orphanet 227535, MedGen C0346153, MONDO:0016419, OMIM 114480. Disease mechanism: loss of function.
Ataxia-telangiectasia syndrome (AT). Also called: LOUIS-BAR SYNDROME; Ataxia-telangiectasia; Ataxia telangiectasia (A-T); Cerebello-oculocutaneous telangiectasia; Immunodeficiency with ataxia telangiectasia; Ataxia-telangiectasia, complementation group D. Identifiers: Orphanet 100, MedGen C0004135, MONDO:0008840, OMIM 208900.
Hereditary breast ovarian cancer syndrome. Also called: Hereditary breast and ovarian cancer syndrome (HBOC); Hereditary breast and ovarian cancer; Hereditary breast and ovarian cancer syndrome; Breast and ovarian cancer; Hereditary breast and/or ovarian cancer syndrome; BRCA1- and BRCA2-Associated Hereditary Breast and Ovarian Cancer. Identifiers: Orphanet 145, MedGen C0677776, MeSH D061325, MONDO:0003582. Disease mechanism: loss of function.
Hepatoblastoma. Identifiers: Orphanet 449, MedGen C0206624, MONDO:0018666, HP:0002884.
Malignant tumor of breast. Also called: Malignant breast neoplasm; Cancer breast. Identifiers: MedGen C0006142, MONDO:0007254. Disease mechanism: loss of function.

Allele frequency attached by ClinVar (database versions not stated): ESP Exome Variant Server 0.00008; 1000 Genomes Project 30x 0.00016; 1000 Genomes Project 0.00020; ExAC 0.00021; gnomAD 0.00023 and 0.00026; TOPMed 0.00034.
gnomAD v4.1: 285 of 1,614,030 alleles (0.018%); highest among the groups gnomAD compares: Middle Eastern, 0.23%; no homozygotes.

Submissions 1 to 12 of 23:

Women's Health and Genetics/Laboratory Corporation of America, LabCorp
Classification: Likely benign. Last evaluated: 2026-06-01. Review status: criteria provided, single submitter. Criteria: LabCorp Variant Classification Summary - May 2015. Collection method: clinical testing. Allele origin: germline.
Comment: Variant summary: ATM c.1595G>A (p.Cys532Tyr) results in a non-conservative amino acid change in the encoded protein sequence. Algorithms developed to predict the effect of missense changes on protein structure and function all suggest that this variant is likely to be disruptive. The variant allele was found at a frequency of 0.00027 in 251486 control chromosomes, predominantly at a frequency of 0.00084 within the Latino subpopulation in the gnomAD database. The observed variant frequency within Latino control individuals in the gnomAD database exceeds the estimated maximal expected allele frequency for disease-causing variants in ATM. c.1595G>A has been reported in the literature in individuals affected with various types of cancer (example, breast, mantle cell lymphoma, head and neck squamous cell carcinoma), in settings of multigene panel testing in families negative for BRCA1/2, and in unaffected controls (example, Camacho_2002, Bernstein_2010, Tavtigian_2009, Lu_2015, Tavera-Tapia_2017, Dutil_2019, Girard_2019, Gomes_2020). These reports do not provide unequivocal conclusions about association of the variant with Breast Cancer. The following publications have been ascertained in the context of this evaluation (PMID: 35980532, 20305132, 24728327, 11756177, 34262154, 31780696, 30303537, 33128190, 17333338, 26689913, 26837699, 37436117, 16832357, 27913932, 19781682). ClinVar contains an entry for this variant (Variation ID: 133603). Based on the evidence outlined above, the variant was classified as likely benign.

Labcorp Genetics (formerly Invitae), Labcorp
Classification: Likely benign for Ataxia-telangiectasia syndrome. Last evaluated: 2026-02-02. Review status: criteria provided, single submitter. Criteria: Invitae Variant Classification Sherloc (09022015). Collection method: clinical testing. Allele origin: germline.

GeneDx
Classification: Uncertain significance. Last evaluated: 2025-09-02. Review status: criteria provided, single submitter. Criteria: GeneDx Variant Classification Process June 2021. Collection method: clinical testing. Allele origin: germline. Affected: yes.
Comment: Observed in individuals with breast, prostate, colorectal, and other cancers, as well as in unaffected controls (PMID: 11756177, 16832357, 17333338, 19781682, 26689913, 27498913, 26837699, 28779002, 27913932, 29522266, 30256826, 29659569, 32325837, 33359728, 35495172, 35534704, 35264596, 34326862, 35980532); In silico analysis supports that this missense variant has a deleterious effect on protein structure/function; This variant is associated with the following publications: (PMID: 20305132, 28779002, 29659569, 30256826, 16832357, 29522266, 11756177, 19781682, 17333338, 24728327, 27913932, 26689913, 22529920, 24356096, 27498913, 26837699, 30995915, 30303537, 31780696, 32325837, 33436325, 34646395, 34262154, 33128190, 35495172, 33359728, 35534704, 35264596, 34326862, 35980532)

CeGaT Center for Human Genetics Tuebingen
Classification: Uncertain significance. Last evaluated: 2025-07-01. Review status: criteria provided, single submitter. Criteria: CeGaT Center For Human Genetics Tuebingen Variant Classification Criteria Version 2. Collection method: clinical testing. Allele origin: germline. Affected: yes. Observed: 1 variant allele.

Mayo Clinic Laboratories, Mayo Clinic
Classification: Likely benign. Last evaluated: 2025-06-19. Review status: criteria provided, single submitter. Criteria: ACMG Guidelines, 2015. Collection method: clinical testing. Allele origin: germline. Observed: 2 variant alleles.
Comment: BS1

German Consortium for Hereditary Breast and Ovarian Cancer, University Hospital Cologne
Classification: Likely benign for Hereditary breast ovarian cancer syndrome. Last evaluated: 2025-04-07. Review status: criteria provided, single submitter. Criteria: ClinGen ATM V1.3.0. Collection method: curation. Allele origin: germline.
Comment: According to the ClinGen ACMG ATM v1.3.0 criteria we chose this criterion: BS1 (strong benign): gnomAD v4.1.0 Grpmax Filtering AF = 0.001396 (= 0.14%)

Center for Genomic Medicine, Rigshospitalet, Copenhagen University Hospital
Classification: Likely benign. Last evaluated: 2025-03-04. Review status: criteria provided, single submitter. Criteria: ACMG Guidelines, 2015. Collection method: clinical testing. Allele origin: germline.

Mendelics
Classification: Likely benign for Hereditary cancer. Last evaluated: 2025-02-27. Review status: criteria provided, single submitter. Criteria: ACMG Guidelines, 2015. Collection method: clinical testing. Allele origin: unknown.
Comment: This variant is considered likely benign or benign based on one or more of the following: it is predicted to be benign by multiple in silico algorithms, and/or has population frequency not consistent with disease, and/or has normal protein function, and/or has lack of segregation with disease, and/or has been detected in co-occurrence with known pathogenic variant, and/or has lack of disease association in case-control studies, and/or is located in a region inconsistent with a known cause of pathogenicity.

Molecular Diagnostics Laboratory, Catalan Institute of Oncology
Classification: Uncertain significance for Hereditary cancer-predisposing syndrome. Last evaluated: 2025-02-20. Review status: criteria provided, single submitter. Criteria: ClinGen ACMG Specifications ATM V1.1.0. Collection method: clinical testing. Allele origin: germline.
Comment: BS1 c.1595G>A, located in exon 10 of the ATM gene, is predicted to result in the substitution of cysteine by tyrosine at codon 532, p.(Cys532Tyr). The variant allele was found in 29/35096 alleles, with a filtered allele frequency of 0.05% at 99% confidence, within the Latino population in the gnomAD v2.1.1 database (non-cancer data set) (BS1). No effect is predicted on splicing by computational tools/SpliceAI and the REVEL meta-predictor score for this variant (0.509) is indeterminate regarding the effect that it may have on protein function. To our knowledge, neither relevant clinical data nor well-established functional studies have been reported for this variant. This variant has been found in breast cancer case-controls studies without significant difference among cancer-affected and healthy controls (PMID: 29659569, 31780696, 17333338, 33471991). This variant has been reported in the ClinVar database (10x likely benign, 8x VUS) and in LOVD (2x likely benign, 5x VUS). Based on currently available information, the variant c.1595G>A should be considered an uncertain significance variant according to ACMG Classification Rules Specified for ATM v1.1.

PreventionGenetics, part of Exact Sciences
Classification: Likely benign for ATM-related condition. Last evaluated: 2025-02-14. Review status: criteria provided, single submitter. Criteria: ACMG Guidelines, 2015. Collection method: clinical testing. Allele origin: germline.
Comment: This variant is classified as likely benign based on ACMG/AMP sequence variant interpretation guidelines (Richards et al. 2015 PMID: 25741868, with internal and published modifications).

Color Diagnostics, LLC DBA Color Health
Classification: Likely benign for Hereditary cancer-predisposing syndrome. Last evaluated: 2024-09-18. Review status: criteria provided, single submitter. Criteria: ACMG Guidelines, 2015. Collection method: clinical testing. Allele origin: germline.

Myriad Genetics, Inc.
Classification: Likely benign for Familial cancer of breast. Last evaluated: 2024-04-30. Review status: criteria provided, single submitter. Criteria: Myriad Autosomal Dominant, Autosomal Recessive and X-Linked Classification Criteria (2023). Collection method: clinical testing. Allele origin: unknown.
Comment: This variant is considered likely benign. This variant is strongly associated with less severe personal and family histories of cancer, typical for individuals without pathogenic variants in this gene [PMID: 25085752].